The following is an entry in ClinVar:

ClinVar aggregate classification (germline): Likely benign. Review status: criteria provided, multiple submitters, no conflicts (2 of 4 stars). 5 submissions from 5 submitters: Likely benign (5). Last evaluated 2026-07-30.

Conditions:
Ataxia-telangiectasia syndrome (AT). Also called: Ataxia-telangiectasia, complementation group D; Ataxia-telangiectasia, complementation group E; LOUIS-BAR SYNDROME; AT, COMPLEMENTATION GROUP C; ATAXIA-TELANGIECTASIA, COMPLEMENTATION GROUP A; ATAXIA-TELANGIECTASIA, FRESNO VARIANT. Identifiers: Orphanet 100, MedGen C0004135, MONDO:0008840, OMIM 208900.
Familial cancer of breast. Also called: hereditary breast carcinoma; Hereditary breast cancer; BREAST CANCER, FAMILIAL. Identifiers: Orphanet 227535, MedGen C0346153, MONDO:0016419, OMIM 114480. Disease mechanism: loss of function.
ATM-related disorder. Also called: ATM-related disorders; ATM-related condition.
Hereditary cancer-predisposing syndrome. Also called: Neoplastic Syndromes, Hereditary; Hereditary neoplastic syndrome; Hereditary Cancer Syndrome; Tumor predisposition. Identifiers: Orphanet 140162, MedGen C0027672, MeSH D009386, MONDO:0015356.

Allele frequency attached by ClinVar (database versions not stated): gnomAD 0.00001; ESP Exome Variant Server 0.00008; gnomAD exomes 0.00001 and 0.00003; ExAC 0.00001; TOPMed 0.00002.
gnomAD v4.1: 38 of 1,595,128 alleles (0.0024%); highest among the groups gnomAD compares: Middle Eastern, 0.017%; no homozygotes.

Submissions (5):

PreventionGenetics, part of Exact Sciences
Classification: Likely benign for ATM-related condition. Last evaluated: 2026-07-30. Review status: criteria provided, single submitter. Criteria: ACMG Guidelines, 2015. Collection method: clinical testing. Allele origin: germline.
Comment: This variant is classified as likely benign based on ACMG/AMP sequence variant interpretation guidelines (Richards et al. 2015 PMID: 25741868, with internal and published modifications).

Labcorp Genetics (formerly Invitae), Labcorp
Classification: Likely benign for Ataxia-telangiectasia syndrome. Last evaluated: 2026-02-04. Review status: criteria provided, single submitter. Criteria: Invitae Variant Classification Sherloc (09022015). Collection method: clinical testing. Allele origin: germline.

Myriad Genetics, Inc.
Classification: Likely benign for Familial cancer of breast. Last evaluated: 2024-06-18. Review status: criteria provided, single submitter. Criteria: Myriad Autosomal Dominant, Autosomal Recessive and X-Linked Classification Criteria (2023). Collection method: clinical testing. Allele origin: unknown.
Comment: This variant is considered likely benign. This variant is intronic and is not expected to impact mRNA splicing.

GeneDx
Classification: Likely benign. Last evaluated: 2017-07-07. Review status: criteria provided, single submitter. Criteria: GeneDx Variant Classification (06012015). Collection method: clinical testing. Allele origin: germline. Affected: yes.
Comment: This variant is considered likely benign or benign based on one or more of the following criteria: it is a conservative change, it occurs at a poorly conserved position in the protein, it is predicted to be benign by multiple in silico algorithms, and/or has population frequency not consistent with disease.

Color Diagnostics, LLC DBA Color Health
Classification: Likely benign for Hereditary cancer-predisposing syndrome. Last evaluated: 2015-10-27. Review status: criteria provided, single submitter. Criteria: ACMG Guidelines, 2015. Collection method: clinical testing. Allele origin: germline.

NM_000051.4(ATM):c.8152-17G>A

Genes: ATM (ATM serine/threonine kinase; plus strand), C11orf65 (chromosome 11 open reading frame 65; minus strand). Cytogenetic location: 11q22.3.
Variant type: single nucleotide variant.
Coding change: c.8152-17G>A on transcript NM_000051.4 (MANE Select); 17 bases into the intron before coding-DNA position 8152, G replaced by A.
Molecular consequence: intron variant.
Genome position (GRCh38, 1-based): chr11:108,335,828, G>A. VCF-style: chr11-108335828-G-A. GRCh37 (hg19) VCF-style: chr11-108206555-G-A.
Other names: c.8152-17G>A (NM_001351834.2); c.641-26757C>T (NM_001330368.2); c.695-536C>T (NM_001351110.2).
Identifiers: ClinVar variation 379552 (VCV000379552.13), dbSNP rs368924012, ClinGen allele CA6266309.